The following is an entry in ClinVar:

NM_000237.3(LPL):c.250-1G>C

Gene: LPL (lipoprotein lipase; plus strand). Cytogenetic location: 8p21.3.
Variant type: single nucleotide variant.
Coding change: c.250-1G>C on transcript NM_000237.3 (MANE Select); the canonical splice acceptor site of the intron before coding-DNA position 250, G replaced by C.
Molecular consequence: splice acceptor variant.
Genome position (GRCh38, 1-based): chr8:19,951,768, G>C. VCF-style: chr8-19951768-G-C. GRCh37 (hg19) VCF-style: chr8-19809279-G-C.
Other names: c.250-1G>C (NM_000237.2).
Identifiers: ClinVar variation 4850521 (VCV004850521.2).
Genomic context (GRCh38, chr8:19,951,768, plus strand): 5'-TGATGTATCTATGACAAGTGGTAGGTGGGTATTTTAAGAAAGCTTGTGTCATCATCTTCA[G>C]GTAACAGGAATGTATGAGAGTTGGGTGCCAAAACTTGTGGCCGCCCTGTACAAGAGAGAA-3'

ClinVar aggregate classification (germline): Pathogenic/Likely pathogenic. Review status: criteria provided, multiple submitters, no conflicts (2 of 4 stars). 2 submissions from 2 submitters: Pathogenic (1); Likely pathogenic (1). Last evaluated 2025-11-05.

Conditions:
LPL-related disorder. Also called: LPL-related condition.
Hyperlipoproteinemia, type I. Also called: Familial Lipoprotein Lipase Deficiency; Lipoprotein Lipase Deficiency; Lipase D deficiency; HYPERLIPOPROTEINEMIA, TYPE IA; LPL DEFICIENCY; Hyperlipoproteinemia type 1. Identifiers: Orphanet 309015, Orphanet 444490, MedGen C0023817, MONDO:0009387, OMIM 238600. Disease mechanism: loss of function.

Submissions (2):

Foundation for Research in Genetics and Endocrinology, FRIGE's Institute of Human Genetics
Classification: Likely pathogenic for Hyperlipoproteinemia, type I. Last evaluated: 2025-11-05. Review status: criteria provided, single submitter. Criteria: ACMG Guidelines, 2015. Collection method: clinical testing. Allele origin: germline. Inheritance: Autosomal recessive inheritance. Affected: yes. Observed: 1 variant allele, 1 homozygote.
Comment: A homozygous 3’splice site variation in intron 2 of the LPL gene that affects the invariant AG acceptor splice site upstream of exon 3 was detected. The observed variant c.250-1G>C has not been reported in the 1000 genomes and gnomAD databases. The identified variant has been previously reported in a patient affected with severe hypertriglyceridemia [Rabacchi C et al. 2015]. The in-silico prediction of the variant is damaging by dbscSNV and SpliceAI. In summary, the variant meets our criteria to be classified as likely pathogenic.

PreventionGenetics, part of Exact Sciences
Classification: Pathogenic for LPL-related condition. Last evaluated: 2025-09-04. Review status: criteria provided, single submitter. Criteria: ACMG Guidelines, 2015. Collection method: clinical testing. Allele origin: germline.
Comment: The LPL c.250-1G>C variant is predicted to disrupt the AG splice acceptor site and interfere with normal splicing. This variant, and a different variant affecting the same splice site (c.250-1G>A) have been reported in the compound heterozygous or homozygous states in individuals with hypertriglyceridemia and other clinical features including recurrent pancreatitis and hepatomegaly (Hata et al. 1990. PubMed ID: 2121025; Rabacchi et al. 2015. PubMed ID: 25966443; Di Bona et al. 2016. PubMed ID: 26536493). Functional data indicate this variant affects normal mRNA splicing (Rabacchi et al 2015. PubMed ID: 25966443). This variant has not been reported in a large population database (gnomAD), indicating this variant is rare. Variants that disrupt the consensus splice acceptor site in LPL are expected to be pathogenic. This variant is interpreted as pathogenic.